The following is an entry in ClinVar:

ClinVar aggregate classification (germline): Uncertain significance (1 of 4 stars; one submission).

Conditions:
Duchenne muscular dystrophy (DMD). Also called: MUSCULAR DYSTROPHY, PSEUDOHYPERTROPHIC PROGRESSIVE, DUCHENNE TYPE; Duchenne Muscular Dystrophy (DMD). Identifiers: Orphanet 98896, MedGen C0013264, MONDO:0010679, OMIM 310200.

Submission:

Labcorp Genetics (formerly Invitae), Labcorp
Classification: Uncertain significance for Duchenne muscular dystrophy. Last evaluated: 2025-07-21. Review status: criteria provided, single submitter. Criteria: Invitae Variant Classification Sherloc (09022015). Collection method: clinical testing. Allele origin: germline.
Comment: This sequence change replaces cysteine, which is neutral and slightly polar, with phenylalanine, which is neutral and non-polar, at codon 3082 of the DMD protein (p.Cys3082Phe). This variant is not present in population databases (gnomAD no frequency). This variant has not been reported in the literature in individuals affected with DMD-related conditions. Invitae Evidence Modeling of protein sequence and biophysical properties (such as structural, functional, and spatial information, amino acid conservation, physicochemical variation, residue mobility, and thermodynamic stability) indicates that this missense variant is not expected to disrupt DMD protein function with a negative predictive value of 95%. In summary, the available evidence is currently insufficient to determine the role of this variant in disease. Therefore, it has been classified as a Variant of Uncertain Significance.

NM_004006.3(DMD):c.9245G>T (p.Cys3082Phe)

Gene: DMD (dystrophin; minus strand). Cytogenetic location: Xp21.2.
Variant type: single nucleotide variant.
Coding change: c.9245G>T on transcript NM_004006.3 (MANE Select); coding-DNA position 9245, G replaced by T.
Protein change: p.Cys3082Phe; replaces cysteine 3082 with phenylalanine.
Molecular consequence: missense variant.
Genome position (GRCh38, 1-based): chrX:31,260,996, C>A on the plus strand (G>T on the coding strand, the complement: DMD is on the minus strand). VCF-style: chrX-31260996-C-A. GRCh37 (hg19) VCF-style: chrX-31279113-C-A.
Other names: c.9221G>T, p.Cys3074Phe (NM_000109.4); c.9233G>T, p.Cys3078Phe (NM_004009.3); c.8876G>T, p.Cys2959Phe (NM_004010.3); c.5222G>T, p.Cys1741Phe (NM_004011.4); c.5213G>T, p.Cys1738Phe (NM_004012.4); c.1865G>T, p.Cys622Phe (NM_004013.3, NM_004020.4, NM_004021.3 and 2 more transcripts); c.1058G>T, p.Cys353Phe (NM_004014.3); c.41G>T, p.Cys14Phe (NM_004015.3, NM_004016.3, NM_004017.3 and 2 more transcripts); short protein forms C3074F, C3082F, C1741F, C2959F, C3078F, C14F, C353F, C1738F.
Identifiers: ClinVar variation 4763809 (VCV004763809.1).